The following is an entry in ClinVar:

NM_001148.6(ANK2):c.10219A>C (p.Thr3407Pro)

Gene: ANK2 (ankyrin 2; plus strand). Cytogenetic location: 4q26.
Variant type: single nucleotide variant.
Coding change: c.10219A>C on transcript NM_001148.6 (MANE Select); coding-DNA position 10219, A replaced by C.
Protein change: p.Thr3407Pro; replaces threonine 3407 with proline.
Molecular consequence: missense variant. On other transcripts: intron variant (68).
Genome position (GRCh38, 1-based): chr4:113,358,837, A>C. VCF-style: chr4-113358837-A-C. GRCh37 (hg19) VCF-style: chr4-114279993-A-C.
Other names: c.9985A>C, p.Thr3329Pro (NM_001386142.1); c.6619A>C, p.Thr2207Pro (NM_001386166.1); c.10360A>C, p.Thr3454Pro (NM_001386174.1); c.10336A>C, p.Thr3446Pro (NM_001386175.1); c.4412-1986A>C (NM_001386186.2, NM_001386148.2); c.4214-1986A>C (NM_001354269.3); c.4292-1986A>C (NM_001386187.2); c.4253-1986A>C (NM_001386147.1); and 35 more; short protein forms T2207P, T3329P, T3407P, T3446P, T3454P.
Identifiers: ClinVar variation 3900588 (VCV003900588.1).

ClinVar aggregate classification (germline): Uncertain significance (1 of 4 stars; one submission).

gnomAD v4.1: 10 of 1,613,964 alleles (0.00062%); highest among the groups gnomAD compares: Non-Finnish European, 0.00085%; no homozygotes.

Submission:

GeneDx
Classification: Uncertain significance. Last evaluated: 2024-11-26. Review status: criteria provided, single submitter. Criteria: GeneDx Variant Classification Process June 2021. Collection method: clinical testing. Allele origin: germline. Affected: yes.
Comment: Not observed at significant frequency in large population cohorts (gnomAD); In silico analysis indicates that this missense variant does not alter protein structure/function; Has not been previously published as pathogenic or benign to our knowledge